The following is an entry in ClinVar:

ClinVar aggregate classification (germline): Uncertain significance. Review status: criteria provided, multiple submitters, no conflicts (2 of 4 stars). 2 submissions from 2 submitters: Uncertain significance (2). Last evaluated 2022-11-10.

Conditions:
Regional enteritis. Also called: Enteritis, Granulomatous. Identifiers: MedGen C0678202, MeSH D003424.
Blau syndrome (BLAUS). Also called: GRANULOMATOSIS, FAMILIAL JUVENILE SYSTEMIC; GRANULOMATOSIS, FAMILIAL, BLAU TYPE; GRANULOMATOUS INFLAMMATORY ARTHRITIS, DERMATITIS, AND UVEITIS, FAMILIAL; ARTHROCUTANEOUVEAL GRANULOMATOSIS; JABS SYNDROME. Identifiers: Orphanet 90340, MedGen C5201146, MONDO:0008523, OMIM 186580.

Allele frequency attached by ClinVar (database versions not stated): gnomAD exomes 0.00001 and 0.00002; TOPMed 0.00001; ExAC 0.00002.
gnomAD v4.1: 32 of 1,614,214 alleles (0.002%); highest among the groups gnomAD compares: East Asian, 0.016%; no homozygotes.

Submissions (2):

Labcorp Genetics (formerly Invitae), Labcorp
Classification: Uncertain significance for Regional enteritis; Blau syndrome. Last evaluated: 2022-11-10. Review status: criteria provided, single submitter. Criteria: Invitae Variant Classification Sherloc (09022015). Collection method: clinical testing. Allele origin: germline.
Comment: This sequence change replaces glutamic acid, which is acidic and polar, with lysine, which is basic and polar, at codon 893 of the NOD2 protein (p.Glu893Lys). This variant is present in population databases (rs201884393, gnomAD 0.005%). This variant has not been reported in the literature in individuals affected with NOD2-related conditions. ClinVar contains an entry for this variant (Variation ID: 847259). Advanced modeling of protein sequence and biophysical properties (such as structural, functional, and spatial information, amino acid conservation, physicochemical variation, residue mobility, and thermodynamic stability) performed at Invitae indicates that this missense variant is not expected to disrupt NOD2 protein function. In summary, the available evidence is currently insufficient to determine the role of this variant in disease. Therefore, it has been classified as a Variant of Uncertain Significance.

Mayo Clinic Laboratories, Mayo Clinic
Classification: Uncertain significance. Last evaluated: 2019-12-19. Review status: criteria provided, single submitter. Criteria: ACMG Guidelines, 2015. Collection method: clinical testing. Allele origin: germline. Observed: 1 variant allele.

NM_001370466.1(NOD2):c.2596G>A (p.Glu866Lys)

Gene: NOD2 (nucleotide binding oligomerization domain containing 2; plus strand). Cytogenetic location: 16q12.1.
Variant type: single nucleotide variant.
Coding change: c.2596G>A on transcript NM_001370466.1 (MANE Select); coding-DNA position 2596, G replaced by A.
Protein change: p.Glu866Lys; replaces glutamic acid 866 with lysine.
Molecular consequence: missense variant. On other transcripts: non-coding transcript variant (1).
Genome position (GRCh38, 1-based): chr16:50,719,971, G>A. VCF-style: chr16-50719971-G-A. GRCh37 (hg19) VCF-style: chr16-50753882-G-A.
Other names: c.2596G>A, p.Glu866Lys (NM_001293557.2); c.2677G>A, p.Glu893Lys (NM_022162.3); short protein forms E866K, E893K.
Identifiers: ClinVar variation 847259 (VCV000847259.15), dbSNP rs201884393, ClinGen allele CA8051922.
Genomic context (GRCh38, chr16:50,719,971, plus strand): 5'-GTCTTCCCTTCCAGGCTGGGGAATAACTACATCACTGCCGCGGGAGCCCAAGTGCTGGCC[G>A]AGGGGCTCCGAGGCAACACCTCCTTGCAGTTCCTGGGGTAGGTTGGATTCCAGGAAGAGG-3'
Protein context (NP_001357395.1, residues 856-876): ITAAGAQVLA[Glu866Lys]GLRGNTSLQF